The following is an entry in ClinVar:

ClinVar aggregate classification (germline): Benign/Likely benign. Review status: criteria provided, multiple submitters, no conflicts (2 of 4 stars). 4 submissions from 4 submitters: Benign (1); Likely benign (3). Last evaluated 2025-10-03.

Conditions:
Hereditary cancer-predisposing syndrome. Also called: Neoplastic Syndromes, Hereditary; Tumor predisposition; Hereditary neoplastic syndrome; Hereditary Cancer Syndrome. Identifiers: Orphanet 140162, MedGen C0027672, MeSH D009386, MONDO:0015356.
Familial adenomatous polyposis 1 (FAP1). Also called: POLYPOSIS, ADENOMATOUS INTESTINAL; FAMILIAL ADENOMATOUS POLYPOSIS 1, ATTENUATED. Identifiers: MedGen C2713442, MONDO:0021056, OMIM 175100. Disease mechanism: loss of function.

Allele frequency attached by ClinVar (database versions not stated): TOPMed below 0.00001; gnomAD 0.00001.
gnomAD v4.1: 2 of 1,613,622 alleles (0.00012%); highest among the groups gnomAD compares: African/African-American, 0.0027%; no homozygotes.

Submissions (4):

Labcorp Genetics (formerly Invitae), Labcorp
Classification: Likely benign for Familial adenomatous polyposis 1. Last evaluated: 2025-10-03. Review status: criteria provided, single submitter. Criteria: Invitae Variant Classification Sherloc (09022015). Collection method: clinical testing. Allele origin: germline.

Myriad Genetics, Inc.
Classification: Benign for Familial adenomatous polyposis 1. Last evaluated: 2024-04-08. Review status: criteria provided, single submitter. Criteria: Myriad Autosomal Dominant, Autosomal Recessive and X-Linked Classification Criteria (2023). Collection method: clinical testing. Allele origin: unknown.
Comment: This variant is considered benign. This variant is a silent/synonymous amino acid change and it is not expected to impact splicing.

Color Diagnostics, LLC DBA Color Health
Classification: Likely benign for Hereditary cancer-predisposing syndrome. Last evaluated: 2022-09-06. Review status: criteria provided, single submitter. Criteria: ACMG Guidelines, 2015. Collection method: clinical testing. Allele origin: germline.

Ambry Genetics
Classification: Likely benign for Hereditary cancer-predisposing syndrome. Last evaluated: 2019-05-28. Review status: criteria provided, single submitter. Criteria: Ambry Variant Classification Scheme 2023. Collection method: clinical testing. Allele origin: germline.

NM_000038.6(APC):c.6981C>T (p.Asn2327=)

Gene: APC (APC regulator of Wnt signaling pathway; plus strand). Cytogenetic location: 5q22.2.
Variant type: single nucleotide variant.
Coding change: c.6981C>T on transcript NM_000038.6 (MANE Select); coding-DNA position 6981, C replaced by T.
Protein change: p.Asn2327=; no amino-acid change (asparagine 2327 retained).
Molecular consequence: synonymous variant.
Genome position (GRCh38, 1-based): chr5:112,842,575, C>T. VCF-style: chr5-112842575-C-T. GRCh37 (hg19) VCF-style: chr5-112178272-C-T.
Other names: c.6858C>T, p.Asn2286= (NM_001354900.2); c.6678C>T, p.Asn2226= (NM_001354903.2); c.6501C>T, p.Asn2167= (NM_001354905.2); c.6603C>T, p.Asn2201= (NM_001354904.2); c.6132C>T, p.Asn2044= (NM_001354906.2); c.6804C>T, p.Asn2268= (NM_001354901.2); c.6708C>T, p.Asn2236= (NM_001354902.2); c.6981C>T, p.Asn2327= (NM_001127510.3, NM_001354895.2); and 5 more.
Identifiers: ClinVar variation 826748 (VCV000826748.17), dbSNP rs950286984, ClinGen allele CA125167808.